The following is an entry in ClinVar:

NM_001351132.2(PEX5):c.1560+6C>T

Gene: PEX5 (peroxisomal biogenesis factor 5; plus strand). Cytogenetic location: 12p13.31.
Variant type: single nucleotide variant.
Coding change: c.1560+6C>T on transcript NM_001351132.2 (MANE Select); 6 bases into the intron after coding-DNA position 1560, C replaced by T.
Molecular consequence: intron variant.
Genome position (GRCh38, 1-based): chr12:7,209,176, C>T. VCF-style: chr12-7209176-C-T. GRCh37 (hg19) VCF-style: chr12-7361772-C-T.
Other names: c.1449+6C>T (NM_001351124.3, NM_001351126.2, NM_001374646.1 and 7 more transcripts); c.1560+6C>T (NM_001131026.2, NM_001351131.2, NM_001374647.2 and 4 more transcripts); c.1425+6C>T (NM_001374649.2, NM_001351140.2, NM_001351139.2); c.1494+6C>T (NM_001351135.3, NM_001351138.2); c.1605+6C>T (NM_001131023.2); c.1551+6C>T (NM_001351136.2); c.1536+6C>T (NM_000319.5).
Identifiers: ClinVar variation 1377702 (VCV001377702.5), dbSNP rs1945208210, ClinGen allele CA2014448141.

ClinVar aggregate classification (germline): Uncertain significance. Review status: criteria provided, multiple submitters, no conflicts (2 of 4 stars). 2 submissions from 2 submitters: Uncertain significance (2). Last evaluated 2023-06-19.

Conditions:
Peroxisome biogenesis disorder 2B (PBD2B). Identifiers: Orphanet 44, MedGen C3550234, MONDO:0008736, OMIM 202370.

Allele frequency attached by ClinVar (database versions not stated): gnomAD exomes below 0.00001; TOPMed 0.00001.
gnomAD v4.1: 1 of 1,612,974 alleles (0.000062%); highest among the groups gnomAD compares: East Asian, 0.0022%; no homozygotes.

Submissions (2):

Labcorp Genetics (formerly Invitae), Labcorp
Classification: Uncertain significance for Peroxisome biogenesis disorder 2B. Last evaluated: 2023-06-19. Review status: criteria provided, single submitter. Criteria: Invitae Variant Classification Sherloc (09022015). Collection method: clinical testing. Allele origin: germline.
Comment: This variant has not been reported in the literature in individuals affected with PEX5-related conditions. This variant is not present in population databases (gnomAD no frequency). This sequence change falls in intron 14 of the PEX5 gene. It does not directly change the encoded amino acid sequence of the PEX5 protein. It affects a nucleotide within the consensus splice site. ClinVar contains an entry for this variant (Variation ID: 1377702). In summary, the available evidence is currently insufficient to determine the role of this variant in disease. Therefore, it has been classified as a Variant of Uncertain Significance. Variants that disrupt the consensus splice site are a relatively common cause of aberrant splicing (PMID: 17576681, 9536098). Algorithms developed to predict the effect of sequence changes on RNA splicing suggest that this variant is not likely to affect RNA splicing.

Breakthrough Genomics
Classification: Uncertain significance. Review status: criteria provided, single submitter. Criteria: ACMG Guidelines, 2015. Collection method: not provided. Allele origin: germline. Inheritance: Autosomal recessive inheritance. Affected: yes.

Literature cited by the submitters: PubMed 17576681 (cited by Labcorp Genetics (formerly Invitae), Labcorp); PubMed 9536098 (cited by Labcorp Genetics (formerly Invitae), Labcorp).